The following is an entry in ClinVar:

NM_001349253.2(SCN11A):c.2993A>G (p.Asp998Gly)

Gene: SCN11A (sodium voltage-gated channel alpha subunit 11; minus strand). Cytogenetic location: 3p22.2.
Variant type: single nucleotide variant.
Coding change: c.2993A>G on transcript NM_001349253.2 (MANE Select); coding-DNA position 2993, A replaced by G.
Protein change: p.Asp998Gly; replaces aspartic acid 998 with glycine.
Molecular consequence: missense variant.
Genome position (GRCh38, 1-based): chr3:38,885,359, T>C on the plus strand (A>G on the coding strand, the complement: SCN11A is on the minus strand). VCF-style: chr3-38885359-T-C. GRCh37 (hg19) VCF-style: chr3-38926850-T-C.
Other names: c.2993A>G, p.Asp998Gly (NM_014139.3); short protein forms D998G.
Identifiers: ClinVar variation 474715 (VCV000474715.14), dbSNP rs373403886, ClinGen allele CA2321898.
Genomic context (GRCh38, chr3:38,885,359, plus strand): 5'-CATCTCTCTGGTTGCTTTTTGGGAACCATCTCAGGTAACCATCCAAAGCCATCCTGAAGA[T>C]CAATGGTGCTACATTCTGATAGTATACTGGTAACATCAGACTTCTGCACATCAGAACAAA-3'
Protein context (NP_001336182.1, residues 988-1008): TSILSECSTI[Asp998Gly]LQDGFGWLPE

ClinVar aggregate classification (germline): Uncertain significance. Review status: criteria provided, multiple submitters, no conflicts (2 of 4 stars). 4 submissions from 4 submitters: Uncertain significance (4). Last evaluated 2025-07-24.

Conditions:
SCN11A-related disorder. Also called: SCN11A-related condition.
Inborn genetic diseases. Identifiers: MedGen C0950123, MeSH D030342.
Hereditary sensory and autonomic neuropathy type 7. Also called: HSAN VII; Neuropathy, hereditary sensory and autonomic, type VII. Identifiers: Orphanet 391397, MedGen C3809882, MONDO:0014244, OMIM 615548.
Familial episodic pain syndrome with predominantly lower limb involvement. Also called: Episodic pain syndrome, familial, 3. Identifiers: Orphanet 391384, Orphanet 391392, MedGen C3809899, MONDO:0014247, OMIM 615552.

Allele frequency attached by ClinVar (database versions not stated): ExAC 0.00003; gnomAD 0.00003 and 0.00004; TOPMed 0.00003; ESP Exome Variant Server 0.00015; gnomAD exomes 0.00002.
gnomAD v4.1: 29 of 1,613,298 alleles (0.0018%); highest among the groups gnomAD compares: South Asian, 0.0033%; no homozygotes.

Submissions (4):

PreventionGenetics, part of Exact Sciences
Classification: Uncertain significance for SCN11A-related condition. Last evaluated: 2025-07-24. Review status: criteria provided, single submitter. Criteria: ACMG Guidelines, 2015. Collection method: clinical testing. Allele origin: germline.
Comment: The SCN11A c.2993A>G variant is predicted to result in the amino acid substitution p.Asp998Gly. To our knowledge, this variant has not been reported in the literature. This variant is reported in 0.0033% of alleles in individuals of South Asian descent in gnomAD. At this time, the clinical significance of this variant is uncertain due to the absence of conclusive functional and genetic evidence.

Labcorp Genetics (formerly Invitae), Labcorp
Classification: Uncertain significance for Familial episodic pain syndrome with predominantly lower limb involvement; Hereditary sensory and autonomic neuropathy type 7. Last evaluated: 2025-07-14. Review status: criteria provided, single submitter. Criteria: Invitae Variant Classification Sherloc (09022015). Collection method: clinical testing. Allele origin: germline.
Comment: This sequence change replaces aspartic acid, which is acidic and polar, with glycine, which is neutral and non-polar, at codon 998 of the SCN11A protein (p.Asp998Gly). This variant is present in population databases (rs373403886, gnomAD 0.003%). This missense change has been observed in individuals with clinical features of hereditary sensory and autonomic neuropathy (internal data). ClinVar contains an entry for this variant (Variation ID: 474715). Invitae Evidence Modeling of protein sequence and biophysical properties (such as structural, functional, and spatial information, amino acid conservation, physicochemical variation, residue mobility, and thermodynamic stability) indicates that this missense variant is not expected to disrupt SCN11A protein function with a negative predictive value of 80%. In summary, the available evidence is currently insufficient to determine the role of this variant in disease. Therefore, it has been classified as a Variant of Uncertain Significance.

Ambry Genetics
Classification: Uncertain significance for Inborn genetic diseases. Last evaluated: 2023-03-06. Review status: criteria provided, single submitter. Criteria: Ambry Variant Classification Scheme 2023. Collection method: clinical testing. Allele origin: germline.

GeneDx
Classification: Uncertain significance. Last evaluated: 2022-12-05. Review status: criteria provided, single submitter. Criteria: GeneDx Variant Classification Process June 2021. Collection method: clinical testing. Allele origin: germline. Affected: yes.
Comment: In silico analysis supports that this missense variant has a deleterious effect on protein structure/function; Has not been previously published as pathogenic or benign to our knowledge